The following is an entry in ClinVar:

ClinVar aggregate classification (germline): Uncertain significance (1 of 4 stars; one submission).

gnomAD v4.1: 10 of 1,554,420 alleles (0.00064%); highest among the groups gnomAD compares: Non-Finnish European, 0.00087%; no homozygotes.

Submission:

Labcorp Genetics (formerly Invitae), Labcorp
Classification: Uncertain significance. Last evaluated: 2025-04-17. Review status: criteria provided, single submitter. Criteria: Invitae Variant Classification Sherloc (09022015). Collection method: clinical testing. Allele origin: germline.
Comment: This sequence change replaces histidine, which is basic and polar, with glutamine, which is neutral and polar, at codon 1593 of the AHDC1 protein (p.His1593Gln). This variant is not present in population databases (gnomAD no frequency). This variant has not been reported in the literature in individuals affected with AHDC1-related conditions. An algorithm developed to predict the effect of missense changes on protein structure and function (PolyPhen-2) suggests that this variant is likely to be tolerated. In summary, the available evidence is currently insufficient to determine the role of this variant in disease. Therefore, it has been classified as a Variant of Uncertain Significance.

NM_001371928.1(AHDC1):c.4779C>G (p.His1593Gln)

Gene: AHDC1 (AT-hook DNA binding motif containing 1; minus strand). Cytogenetic location: 1p36.11.
Variant type: single nucleotide variant.
Coding change: c.4779C>G on transcript NM_001371928.1 (MANE Select); coding-DNA position 4779, C replaced by G.
Protein change: p.His1593Gln; replaces histidine 1593 with glutamine.
Molecular consequence: missense variant.
Genome position (GRCh38, 1-based): chr1:27,547,337, G>C on the plus strand (C>G on the coding strand, the complement: AHDC1 is on the minus strand). VCF-style: chr1-27547337-G-C. GRCh37 (hg19) VCF-style: chr1-27873848-G-C.
Other names: c.4779C>G, p.His1593Gln (NM_001029882.3); short protein forms H1593Q.
Identifiers: ClinVar variation 4711671 (VCV004711671.1).